The following is an entry in ClinVar:

NM_007294.4(BRCA1):c.4348del (p.Ser1450fs)

Gene: BRCA1 (BRCA1 DNA repair associated; minus strand). Cytogenetic location: 17q21.31.
Variant type: Deletion.
Coding change: c.4348del on transcript NM_007294.4 (MANE Select); coding-DNA position 4348, one base deleted (T; older notation c.4348delT).
Protein change: p.Ser1450fs; shifts the reading frame from serine 1450.
Molecular consequence: frameshift variant. On other transcripts: non-coding transcript variant (1).
Genome position (GRCh38, 1-based): chr17:43,082,413, A deleted on the plus strand (T on the coding strand, the reverse complement: BRCA1 is on the minus strand). VCF-style (leftmost placement, unchanged base first): chr17-43082412-GA-G. GRCh37 (hg19) VCF-style: chr17-41234429-GA-G.
Other names: c.3967delT, p.Ser1323Glnfs (NM_001407960.1, NM_001407959.1); c.3964delT, p.Ser1322Glnfs (NM_001407962.1, NM_001407963.1); c.4204delT, p.Ser1402Glnfs (NM_001407964.1, NM_001407740.1, NM_001407741.1 and 23 more transcripts); c.3841delT, p.Ser1281Glnfs (NM_001407965.1); c.3460delT, p.Ser1154Glnfs (NM_001407966.1, NM_001407967.1); c.1744delT, p.Ser582Glnfs (NM_001407968.1); c.1741delT, p.Ser581Glnfs (NM_001407969.1); c.1039delT, p.Ser347Glnfs (NM_001407970.1, NM_001407971.1, NM_001407973.1 and 8 more transcripts); and 54 more; short protein forms S1403fs, S1450fs, S347fs.
Identifiers: ClinVar variation 431355 (VCV000431355.2), dbSNP rs1135401932, ClinGen allele CA645373145.

ClinVar aggregate classification (germline): Pathogenic. Review status: reviewed by expert panel (3 of 4 stars). 2 submissions from 2 submitters: Pathogenic (1). 1 of the submissions does not count toward it. Last evaluated 2017-12-15.

Conditions:
Hereditary breast ovarian cancer syndrome. Also called: Hereditary breast and ovarian cancer syndrome (HBOC); BRCA1- and BRCA2-Associated Hereditary Breast and Ovarian Cancer; Hereditary breast and/or ovarian cancer syndrome; Hereditary breast and ovarian cancer syndrome; Hereditary breast and ovarian cancer; Breast and ovarian cancer. Identifiers: Orphanet 145, MedGen C0677776, MeSH D061325, MONDO:0003582. Disease mechanism: loss of function.
Breast-ovarian cancer, familial, susceptibility to, 1 (BROVCA1). Also called: BRCA1 Hereditary Breast and Ovarian Cancer; OVARIAN CANCER, SUSCEPTIBILITY TO. Identifiers: Orphanet 145, MedGen C2676676, MONDO:0011450, OMIM 604370. Disease mechanism: loss of function.

Submissions (2):

Evidence-based Network for the Interpretation of Germline Mutant Alleles (ENIGMA)
Classification: Pathogenic for Breast-ovarian cancer, familial, susceptibility to, 1. Last evaluated: 2017-12-15. Review status: reviewed by expert panel. Criteria: ENIGMA BRCA1/2 Classification Criteria (2017-06-29). Collection method: curation. Allele origin: germline. Study: ENIGMA.
Comment: Variant allele predicted to encode a truncated non-functional protein.

Department of Pathology and Molecular Medicine, Queen's University
Classification: Pathogenic for Hereditary breast ovarian cancer syndrome. Last evaluated: 2017-04-20. Review status: criteria provided, single submitter. Criteria: ACMG Guidelines, 2015. Collection method: clinical testing. Allele origin: germline. Study: The Canadian Open Genetics Repository (COGR). Not counted in ClinVar's aggregate classification.